The following is an entry in ClinVar:

ClinVar aggregate classification (germline): Pathogenic (1 of 4 stars; one submission).

Conditions:
Succinate-semialdehyde dehydrogenase deficiency (SSADHD). Also called: Succinic Semialdehyde Dehydrogenase Deficiency; SSADH DEFICIENCY; 4-HYDROXYBUTYRIC ACIDURIA; GABA METABOLIC DEFECT. Identifiers: Orphanet 22, MedGen C0268631, MONDO:0010083, OMIM 271980.

Allele frequency attached by ClinVar (database versions not stated): gnomAD exomes below 0.00001.

Submission:

Labcorp Genetics (formerly Invitae), Labcorp
Classification: Pathogenic for Succinate-semialdehyde dehydrogenase deficiency. Last evaluated: 2019-10-14. Review status: criteria provided, single submitter. Criteria: Invitae Variant Classification Sherloc (09022015). Collection method: clinical testing. Allele origin: germline.
Comment: The frequency data for this variant in the population databases is considered unreliable, as metrics indicate insufficient coverage at this position in the ExAC database. For these reasons, this variant has been classified as Pathogenic. Loss-of-function variants in ALDH5A1 are known to be pathogenic (PMID: 14635103). Algorithms developed to predict the effect of sequence changes on RNA splicing suggest that this variant may create or strengthen a splice site, but this prediction has not been confirmed by published transcriptional studies. This variant has not been reported in the literature in individuals with ALDH5A1-related conditions. This sequence change creates a premature translational stop signal (p.Trp112*) in the ALDH5A1 gene. It is expected to result in an absent or disrupted protein product.

Literature cited by the submitters: PubMed 14635103.

NM_001080.3(ALDH5A1):c.335G>A (p.Trp112Ter)

Genes: ALDH5A1 (aldehyde dehydrogenase 5 family member A1; plus strand), LOC129995978 (ATAC-STARR-seq lymphoblastoid silent region 16989; plus strand). Cytogenetic location: 6p22.3.
Variant type: single nucleotide variant.
Coding change: c.335G>A on transcript NM_001080.3 (MANE Select); coding-DNA position 335, G replaced by A.
Protein change: p.Trp112Ter; replaces tryptophan 112 with a stop codon.
Molecular consequence: nonsense.
Genome position (GRCh38, 1-based): chr6:24,495,331, G>A. VCF-style: chr6-24495331-G-A. GRCh37 (hg19) VCF-style: chr6-24495559-G-A.
Other names: c.335G>A, p.Trp112Ter (NM_001368954.1, NM_170740.1); short protein forms W112*.
Identifiers: ClinVar variation 938537 (VCV000938537.8), dbSNP rs1764675949, ClinGen allele CA362968707.